The following is an entry in ClinVar:

ClinVar aggregate classification (germline): Uncertain significance (1 of 4 stars; one submission).

Conditions:
Inborn genetic diseases. Identifiers: MedGen C0950123, MeSH D030342.

Submission:

Ambry Genetics
Classification: Uncertain significance for Inborn genetic diseases. Last evaluated: 2025-04-19. Review status: criteria provided, single submitter. Criteria: Ambry Variant Classification Scheme 2023. Collection method: clinical testing. Allele origin: germline.
Comment: The p.D915G variant (also known as c.2744A>G), located in coding exon 1 of the SAMD9L gene, results from an A to G substitution at nucleotide position 2744. The aspartic acid at codon 915 is replaced by glycine, an amino acid with similar properties. This amino acid position is conserved. In addition, this alteration is predicted to be tolerated by in silico analysis. Based on the available evidence, the clinical significance of this variant remains unclear.

NM_152703.5(SAMD9L):c.2744A>G (p.Asp915Gly)

Gene: SAMD9L (sterile alpha motif domain containing 9 like; minus strand). Cytogenetic location: 7q21.2.
Variant type: single nucleotide variant.
Coding change: c.2744A>G on transcript NM_152703.5 (MANE Select); coding-DNA position 2744, A replaced by G.
Protein change: p.Asp915Gly; replaces aspartic acid 915 with glycine.
Molecular consequence: missense variant.
Genome position (GRCh38, 1-based): chr7:93,133,228, T>C on the plus strand (A>G on the coding strand, the complement: SAMD9L is on the minus strand). VCF-style: chr7-93133228-T-C. GRCh37 (hg19) VCF-style: chr7-92762541-T-C.
Other names: c.2744A>G, p.Asp915Gly (NM_001303496.3, NM_001303497.3, NM_001303498.3 and 5 more transcripts); short protein forms D915G.
Identifiers: ClinVar variation 3949858 (VCV003949858.1).
Genomic context (GRCh38, chr7:93,133,228, plus strand): 5'-GAGTCAGTAACATAAGAGCTGAGTAAAGCCAGGAAGGAAATGAGTTGTGCTTCCTTGCTG[T>C]CAACATCCTGTCCTTTTAGGATATTCCTGACTACATTTTCTATATATGTTTCATCAAAAT-3'
Protein context (NP_689916.2, residues 905-925): VRNILKGQDV[Asp915Gly]SKEAQLISFL